The following is an entry in ClinVar:

ClinVar aggregate classification (germline): Benign/Likely benign. Review status: criteria provided, multiple submitters, no conflicts (2 of 4 stars). 6 submissions from 6 submitters: Benign (4); Likely benign (2). Last evaluated 2026-02-01.

Conditions:
Primary ciliary dyskinesia. Also called: Ciliary dyskinesia. Identifiers: Orphanet 244, MedGen C0008780, MONDO:0016575, HP:0012265.
Primary ciliary dyskinesia 15. Also called: CILIARY DYSKINESIA, PRIMARY, 15, WITH OR WITHOUT SITUS INVERSUS. Identifiers: Orphanet 244, MedGen C3151137, MONDO:0013435, OMIM 613808.

Allele frequency attached by ClinVar (database versions not stated): gnomAD exomes 0.00063 and 0.00177; ExAC 0.00204; ESP Exome Variant Server 0.00633; 1000 Genomes Project 30x 0.00656; 1000 Genomes Project 0.00699; gnomAD 0.00718 and 0.00769; TOPMed 0.00758.
gnomAD v4.1: 2,038 of 1,614,006 alleles (0.13%); highest among the groups gnomAD compares: African/African-American, 2.4%; 23 homozygotes.

Submissions (6):

Labcorp Genetics (formerly Invitae), Labcorp
Classification: Benign for Primary ciliary dyskinesia. Last evaluated: 2026-02-01. Review status: criteria provided, single submitter. Criteria: Invitae Variant Classification Sherloc (09022015). Collection method: clinical testing. Allele origin: germline.

ARUP Laboratories, Molecular Genetics and Genomics, ARUP Laboratories
Classification: Benign for Primary ciliary dyskinesia 15. Last evaluated: 2023-08-30. Review status: criteria provided, single submitter. Criteria: ARUP Molecular Germline Variant Investigation Process 2024. Collection method: clinical testing. Allele origin: germline.

Illumina Laboratory Services, Illumina
Classification: Likely benign for Primary ciliary dyskinesia 15. Last evaluated: 2018-01-13. Review status: criteria provided, single submitter. Criteria: ICSL Variant Classification Criteria 13 December 2019. Collection method: clinical testing. Allele origin: germline.
Comment: This variant was observed in the ICSL laboratory as part of a predisposition screen in an ostensibly healthy population. It had not been previously curated by ICSL or reported in the Human Gene Mutation Database (HGMD: prior to June 1st, 2018), and was therefore a candidate for classification through an automated scoring system. Utilizing variant allele frequency, disease prevalence and penetrance estimates, and inheritance mode, an automated score was calculated to assess if this variant is too frequent to cause the disease. Based on the score and internal cut-off values, a variant classified as likely benign is not then subjected to further curation. The score for this variant resulted in a classification of likely benign for this disease.

Ambry Genetics
Classification: Benign for Primary ciliary dyskinesia. Last evaluated: 2017-02-27. Review status: criteria provided, single submitter. Criteria: Ambry Variant Classification Scheme 2023. Collection method: clinical testing. Allele origin: germline.

Breakthrough Genomics
Classification: Likely benign. Review status: criteria provided, single submitter. Criteria: ACMG Guidelines, 2015. Collection method: not provided. Allele origin: germline. Inheritance: Autosomal recessive inheritance. Affected: yes.

PreventionGenetics, part of Exact Sciences
Classification: Benign. Review status: criteria provided, single submitter. Criteria: ACMG Guidelines, 2015. Collection method: clinical testing. Allele origin: germline.

NM_017950.4(CCDC40):c.2608C>T (p.Arg870Cys)

Gene: CCDC40 (coiled-coil domain 40 molecular ruler complex subunit; plus strand). Cytogenetic location: 17q25.3.
Variant type: single nucleotide variant.
Coding change: c.2608C>T on transcript NM_017950.4 (MANE Select); coding-DNA position 2608, C replaced by T.
Protein change: p.Arg870Cys; replaces arginine 870 with cysteine.
Molecular consequence: missense variant.
Genome position (GRCh38, 1-based): chr17:80,087,765, C>T. VCF-style: chr17-80087765-C-T. GRCh37 (hg19) VCF-style: chr17-78061564-C-T.
Other names: c.2608C>T, p.Arg870Cys (NM_001243342.2); short protein forms R870C.
Identifiers: ClinVar variation 220092 (VCV000220092.25), dbSNP rs61749025, ClinGen allele CA350160.